The following is an entry in ClinVar:

ClinVar aggregate classification (germline): Uncertain significance (1 of 4 stars; one submission).

gnomAD v4.1: 17 of 1,519,726 alleles (0.0011%); highest among the groups gnomAD compares: Non-Finnish European, 0.0015%; no homozygotes.

Submission:

Ambry Genetics
Classification: Uncertain significance. Last evaluated: 2025-08-08. Review status: criteria provided, single submitter. Criteria: Ambry Variant Classification Scheme 2023. Collection method: clinical testing. Allele origin: germline.
Comment: The p.S1452G variant (also known as c.4354A>G), located in coding exon 14 of the CDK12 gene, results from an A to G substitution at nucleotide position 4354. The serine at codon 1452 is replaced by glycine, an amino acid with similar properties. This amino acid position is conserved. In addition, this alteration is predicted to be tolerated by in silico analysis. Based on the available evidence, the clinical significance of this variant remains unclear.

NM_016507.4(CDK12):c.4354A>G (p.Ser1452Gly)

Gene: CDK12 (cyclin dependent kinase 12; plus strand). Cytogenetic location: 17q12.
Variant type: single nucleotide variant.
Coding change: c.4354A>G on transcript NM_016507.4 (MANE Select); coding-DNA position 4354, A replaced by G.
Protein change: p.Ser1452Gly; replaces serine 1452 with glycine.
Molecular consequence: missense variant.
Genome position (GRCh38, 1-based): chr17:39,531,197, A>G. VCF-style: chr17-39531197-A-G. GRCh37 (hg19) VCF-style: chr17-37687450-A-G.
Other names: c.4327A>G, p.Ser1443Gly (NM_015083.4); short protein forms S1452G, S1443G.
Identifiers: ClinVar variation 4224361 (VCV004224361.1).
Genomic context (GRCh38, chr17:39,531,197, plus strand): 5'-CATGCAGAGACCAAATTGCAAAACTATGGGGAGCTGGGGCCAGGAACCACTGGGGCCAGC[A>G]GCTCAGGAGCAGGCCTTCACTGGGGGGGCCCAACTCAGTCTTCTGCTTATGGAAAACTCT-3'
Protein context (NP_057591.2, residues 1442-1462): ELGPGTTGAS[Ser1452Gly]SGAGLHWGGP